The following is an entry in ClinVar:

ClinVar aggregate classification (germline): Uncertain significance (1 of 4 stars; one submission).

Conditions:
Cardiovascular phenotype. Identifiers: MedGen CN230736.

Allele frequency attached by ClinVar (database versions not stated): gnomAD 0.00001.
gnomAD v4.1: 2 of 1,581,376 alleles (0.00013%); highest among the groups gnomAD compares: Admixed American, 0.0018%; no homozygotes.

Submission:

Ambry Genetics
Classification: Uncertain significance for Cardiovascular phenotype. Last evaluated: 2020-08-17. Review status: criteria provided, single submitter. Criteria: Ambry Variant Classification Scheme 2023. Collection method: clinical testing. Allele origin: germline.
Comment: The p.T9827K variant (also known as c.29480C>A), located in coding exon 118 of the TTN gene, results from a C to A substitution at nucleotide position 29480. The threonine at codon 9827 is replaced by lysine, an amino acid with similar properties. This amino acid position is well conserved in available vertebrate species. In addition, this alteration is predicted to be tolerated by in silico analysis. Since supporting evidence is limited at this time, the clinical significance of this alteration remains unclear.

NM_001267550.2(TTN):c.56675C>A (p.Thr18892Lys)

Genes: TTN (titin; minus strand), TTN-AS1 (TTN antisense RNA 1; plus strand). Cytogenetic location: 2q31.2.
Variant type: single nucleotide variant.
Coding change: c.56675C>A on transcript NM_001267550.2 (MANE Select); coding-DNA position 56675, C replaced by A.
Protein change: p.Thr18892Lys; replaces threonine 18892 with lysine.
Molecular consequence: missense variant.
Genome position (GRCh38, 1-based): chr2:178,599,035, G>T on the plus strand (C>A on the coding strand, the complement: TTN is on the minus strand). VCF-style: chr2-178599035-G-T. GRCh37 (hg19) VCF-style: chr2-179463762-G-T.
Other names: c.51752C>A, p.Thr17251Lys (NM_001256850.1); c.29480C>A, p.Thr9827Lys (NM_003319.4); c.48971C>A, p.Thr16324Lys (NM_133378.4); c.29855C>A, p.Thr9952Lys (NM_133432.3); c.30056C>A, p.Thr10019Lys (NM_133437.4); short protein forms T10019K, T18892K, T9952K, T17251K, T16324K, T9827K.
Identifiers: ClinVar variation 1797986 (VCV001797986.2), dbSNP rs1405285641, ClinGen allele CA349528021.
Genomic context (GRCh38, chr2:178,599,035, plus strand): 5'-CCATCATATTCTGGCTCTTCCCAGTTGACAGTCATGGAGTTACGAGTCACGCTGCTAACT[G>T]TTGGTTTATCTGGTGCTCCAGGGACAGCTGTGAAAAAGATCATATTGATTATAAGAAATT-3'
Protein context (NP_001254479.2, residues 18882-18902): FSVPGAPDKP[Thr18892Lys]VSSVTRNSMT